The following is an entry in ClinVar:

ClinVar aggregate classification (germline): Uncertain significance (1 of 4 stars; one submission).

Allele frequency attached by ClinVar (database versions not stated): ExAC 0.00001; gnomAD exomes 0.00001; gnomAD 0.00002.
gnomAD v4.1: 20 of 1,609,428 alleles (0.0012%); highest among the groups gnomAD compares: Admixed American, 0.005%; no homozygotes.

Submission:

GeneDx
Classification: Uncertain significance. Last evaluated: 2022-08-03. Review status: criteria provided, single submitter. Criteria: GeneDx Variant Classification Process June 2021. Collection method: clinical testing. Allele origin: germline. Affected: yes.
Comment: In silico analysis supports that this missense variant does not alter protein structure/function; Has not been previously published as pathogenic or benign to our knowledge

NM_017757.3(ZNF407):c.5711A>G (p.His1904Arg)

Gene: ZNF407 (zinc finger protein 407; plus strand). Cytogenetic location: 18q22.3.
Variant type: single nucleotide variant.
Coding change: c.5711A>G on transcript NM_017757.3 (MANE Select); coding-DNA position 5711, A replaced by G.
Protein change: p.His1904Arg; replaces histidine 1904 with arginine.
Molecular consequence: missense variant.
Genome position (GRCh38, 1-based): chr18:75,063,432, A>G. VCF-style: chr18-75063432-A-G. GRCh37 (hg19) VCF-style: chr18-72775388-A-G.
Other names: c.5711A>G, p.His1904Arg (NM_001384475.1); short protein forms H1904R.
Identifiers: ClinVar variation 2428813 (VCV002428813.3), dbSNP rs766744637, ClinGen allele CA9001201.